The following is an entry in ClinVar:

NM_003108.4(SOX11):c.546G>C (p.Ala182=)

Gene: SOX11 (SRY-box transcription factor 11; plus strand). Cytogenetic location: 2p25.2.
Variant type: single nucleotide variant.
Coding change: c.546G>C on transcript NM_003108.4 (MANE Select); coding-DNA position 546, G replaced by C.
Protein change: p.Ala182=; no amino-acid change (alanine 182 retained).
Molecular consequence: synonymous variant.
Genome position (GRCh38, 1-based): chr2:5,693,267, G>C. VCF-style: chr2-5693267-G-C. GRCh37 (hg19) VCF-style: chr2-5833399-G-C.
Identifiers: ClinVar variation 2031725 (VCV002031725.4), dbSNP rs778130909, ClinGen allele CA424763330.

ClinVar aggregate classification (germline): Uncertain significance (1 of 4 stars; one submission).

Submission:

Labcorp Genetics (formerly Invitae), Labcorp
Classification: Uncertain significance. Last evaluated: 2024-06-24. Review status: criteria provided, single submitter. Criteria: Invitae Variant Classification Sherloc (09022015). Collection method: clinical testing. Allele origin: germline.
Comment: This sequence change affects codon 182 of the SOX11 mRNA. It is a 'silent' change, meaning that it does not change the encoded amino acid sequence of the SOX11 protein. This variant is not present in population databases (gnomAD no frequency). This variant has not been reported in the literature in individuals affected with SOX11-related conditions. ClinVar contains an entry for this variant (Variation ID: 2031725). In summary, the available evidence is currently insufficient to determine the role of this variant in disease. Therefore, it has been classified as a Variant of Uncertain Significance.